The following is an entry in ClinVar:

NM_199420.4(POLQ):c.2869C>A (p.Gln957Lys)

Gene: POLQ (DNA polymerase theta; minus strand). Cytogenetic location: 3q13.33.
Variant type: single nucleotide variant.
Coding change: c.2869C>A on transcript NM_199420.4 (MANE Select); coding-DNA position 2869, C replaced by A.
Protein change: p.Gln957Lys; replaces glutamine 957 with lysine.
Molecular consequence: missense variant.
Genome position (GRCh38, 1-based): chr3:121,490,062, G>T on the plus strand (C>A on the coding strand, the complement: POLQ is on the minus strand). VCF-style: chr3-121490062-G-T. GRCh37 (hg19) VCF-style: chr3-121208909-G-T.
Other names: short protein forms Q957K.
Identifiers: ClinVar variation 1797018 (VCV001797018.2), dbSNP rs768231484, ClinGen allele CA354104198.

ClinVar aggregate classification (germline): Uncertain significance (1 of 4 stars; one submission).

Submission:

Ambry Genetics
Classification: Uncertain significance. Last evaluated: 2021-09-24. Review status: criteria provided, single submitter. Criteria: Ambry Variant Classification Scheme 2023. Collection method: clinical testing. Allele origin: germline.
Comment: The p.Q957K variant (also known as c.2869C>A), located in coding exon 16 of the POLQ gene, results from a C to A substitution at nucleotide position 2869. The glutamine at codon 957 is replaced by lysine, an amino acid with similar properties. This amino acid position is conserved. In addition, this alteration is predicted to be tolerated by in silico analysis. Since supporting evidence is limited at this time, the clinical significance of this alteration remains unclear.